The following is an entry in ClinVar:

NM_004415.4(DSP):c.4881G>A (p.Lys1627=)

Gene: DSP (desmoplakin; plus strand). Cytogenetic location: 6p24.3.
Variant type: single nucleotide variant.
Coding change: c.4881G>A on transcript NM_004415.4 (MANE Select); coding-DNA position 4881, G replaced by A.
Protein change: p.Lys1627=; no amino-acid change (lysine 1627 retained).
Molecular consequence: synonymous variant. On other transcripts: intron variant (2).
Genome position (GRCh38, 1-based): chr6:7,581,071, G>A. VCF-style: chr6-7581071-G-A. GRCh37 (hg19) VCF-style: chr6-7581304-G-A.
Other names: c.4881G>A (NM_004415.3); c.4050+831G>A (NM_001319034.2); c.3582+1299G>A (NM_001008844.3).
Identifiers: ClinVar variation 1743795 (VCV001743795.11), dbSNP rs746035936, ClinGen allele CA133970461.

ClinVar aggregate classification (germline): Likely benign. Review status: criteria provided, multiple submitters, no conflicts (2 of 4 stars). 5 submissions from 5 submitters: Likely benign (5). Last evaluated 2025-05-01.

Conditions:
Cardiomyopathy (CMYO). Also called: Cardiomyopathies. Identifiers: Orphanet 167848, MedGen C0878544, MONDO:0004994, HP:0001638. Inheritance: Various modes of inheritance.
DSP-related disorder. Also called: DSP-related condition; DSP-related disorders.
Arrhythmogenic cardiomyopathy with wooly hair and keratoderma. Also called: Arrhythmogenic cardiomyopathy with woolly hair and keratoderma; PALMOPLANTAR KERATODERMA WITH LEFT VENTRICULAR CARDIOMYOPATHY AND WOOLLY HAIR; Carvajal syndrome; Dilated cardiomyopathy with woolly hair and keratoderma. Identifiers: Orphanet 65282, MedGen C1854063, MONDO:0011581, OMIM 605676.
Arrhythmogenic right ventricular dysplasia 8 (ARVD8). Also called: ARRHYTHMOGENIC RIGHT VENTRICULAR DYSPLASIA, FAMILIAL, 8; ARRHYTHMOGENIC RIGHT VENTRICULAR CARDIOMYOPATHY 8; Arrhythmogenic Right Ventricular Dysplasia/Cardiomyopathy 8. Identifiers: MedGen C1843896, MONDO:0011831, OMIM 607450.
Cardiovascular phenotype. Identifiers: MedGen CN230736.

Allele frequency attached by ClinVar (database versions not stated): gnomAD 0.00001; TOPMed 0.00001.
gnomAD v4.1: 3 of 1,613,960 alleles (0.00019%); highest among the groups gnomAD compares: Non-Finnish European, 0.00025%; no homozygotes.

Submissions (5):

PreventionGenetics, part of Exact Sciences
Classification: Likely benign for DSP-related condition. Last evaluated: 2025-05-01. Review status: criteria provided, single submitter. Criteria: ACMG Guidelines, 2015. Collection method: clinical testing. Allele origin: germline.
Comment: This variant is classified as likely benign based on ACMG/AMP sequence variant interpretation guidelines (Richards et al. 2015 PMID: 25741868, with internal and published modifications).

All of Us Research Program, National Institutes of Health
Classification: Likely benign for Arrhythmogenic cardiomyopathy with wooly hair and keratoderma. Last evaluated: 2023-05-30. Review status: criteria provided, single submitter. Criteria: ACMG Guidelines, 2015. Collection method: clinical testing. Allele origin: germline. Inheritance: Autosomal dominant inheritance. Observed: 1 variant allele, 1 heterozygote.
Comment: This study involves interpretation of variants in research participants for the purpose of population health screening. Participant phenotype was not available at the time of variant classification. Additional details can be found in publication PMID: 35346344, PMCID: PMC8962531

Color Diagnostics, LLC DBA Color Health
Classification: Likely benign for Cardiomyopathy. Last evaluated: 2023-05-16. Review status: criteria provided, single submitter. Criteria: ACMG Guidelines, 2015. Collection method: clinical testing. Allele origin: germline.

Labcorp Genetics (formerly Invitae), Labcorp
Classification: Likely benign for Arrhythmogenic cardiomyopathy with wooly hair and keratoderma; Arrhythmogenic right ventricular dysplasia 8. Last evaluated: 2022-07-19. Review status: criteria provided, single submitter. Criteria: Invitae Variant Classification Sherloc (09022015). Collection method: clinical testing. Allele origin: germline.

Ambry Genetics
Classification: Likely benign for Cardiovascular phenotype. Last evaluated: 2020-12-31. Review status: criteria provided, single submitter. Criteria: Ambry Variant Classification Scheme 2023. Collection method: clinical testing. Allele origin: germline.